The following is an entry in ClinVar:

ClinVar aggregate classification (germline): Pathogenic. Review status: criteria provided, multiple submitters, no conflicts (2 of 4 stars). 5 submissions from 5 submitters: Pathogenic (5). Last evaluated 2025-09-10.

Conditions:
Cardiovascular phenotype. Identifiers: MedGen CN230736.
Left ventricular noncompaction 10 (LVNC10). Identifiers: Orphanet 154, Orphanet 54260, MedGen C3715165, MONDO:0014163, OMIM 615396.
Hypertrophic cardiomyopathy 4. Also called: Familial hypertrophic cardiomyopathy 4. Identifiers: MedGen C1861862, MONDO:0007268, OMIM 115197.
Hypertrophic cardiomyopathy. Also called: HYPERTROPHIC MYOCARDIOPATHY. Identifiers: Orphanet 217569, MedGen C0007194, MeSH D002312, MONDO:0005045, HP:0001639.

Allele frequency attached by ClinVar (database versions not stated): gnomAD exomes below 0.00001.

Submissions (5):

Victorian Clinical Genetics Services, Murdoch Childrens Research Institute
Classification: Pathogenic for Hypertrophic cardiomyopathy 4. Last evaluated: 2025-09-10. Review status: criteria provided, single submitter. Criteria: ACMG Guidelines, 2015. Collection method: clinical testing. Allele origin: germline. Affected: yes.
Comment: This variant is classified as Pathogenic. Evidence in support of pathogenic classification: Variant is predicted to cause nonsense-mediated decay (NMD) and loss of protein (premature termination codon is located at least 54 nucleotides upstream of the final exon-exon junction); Variant is present in gnomAD <0.01 (v4: 2 heterozygote(s), 0 homozygote(s)); This variant has strong previous evidence of pathogenicity in unrelated individuals. This variant has been classified as pathogenic by multiple clinical laboratories in ClinVar; Other NMD-predicted variant(s) comparable to the one identified have very strong previous evidence for pathogenicity. Many other NMD-predicted variants have previously been reported in patients with hypertrophic cardiomyopathy (ClinVar, PMID: 28771489). Additional information: This variant is heterozygous; This gene is associated with both recessive and dominant disease. Dominant inheritance is frequently reported in adult onset conditions and recessive inheritance results in a more severe early onset phenotype (OMIM); Loss of function is a known mechanism of disease in this gene and is associated with hypertrophic cardiomyopathy 4 (HCM; MIM#115197); Variants in this gene are known to have variable expressivity (PMID: 32841044); Inheritance information for this variant is not currently available in this individual.

Labcorp Genetics (formerly Invitae), Labcorp
Classification: Pathogenic for Hypertrophic cardiomyopathy. Last evaluated: 2023-10-08. Review status: criteria provided, single submitter. Criteria: Invitae Variant Classification Sherloc (09022015). Collection method: clinical testing. Allele origin: germline.
Comment: This sequence change creates a premature translational stop signal (p.Pro1157Alafs*12) in the MYBPC3 gene. It is expected to result in an absent or disrupted protein product. Loss-of-function variants in MYBPC3 are known to be pathogenic (PMID: 19574547). This variant is not present in population databases (gnomAD no frequency). This variant has not been reported in the literature in individuals affected with MYBPC3-related conditions. ClinVar contains an entry for this variant (Variation ID: 181156). For these reasons, this variant has been classified as Pathogenic.

Ambry Genetics
Classification: Pathogenic for Cardiovascular phenotype. Last evaluated: 2023-03-23. Review status: criteria provided, single submitter. Criteria: Ambry Variant Classification Scheme 2023. Collection method: clinical testing. Allele origin: germline.
Comment: The c.3467dupA pathogenic mutation, located in coding exon 31 of the MYBPC3 gene, results from a duplication of A at nucleotide position 3467, causing a translational frameshift with a predicted alternate stop codon (p.P1157Afs*12). This alteration has been reported in a hypertrophic cardiomyopathy (HCM) cohort (Ho CY et al. Circulation, 2018 Oct;138:1387-1398). This variant is considered to be rare based on population cohorts in the Genome Aggregation Database (gnomAD). In addition to the clinical data presented in the literature, this alteration is expected to result in loss of function by premature protein truncation or nonsense-mediated mRNA decay. As such, this alteration is interpreted as a disease-causing mutation.

Institute for Medical Genetics and Human Genetics, Charité - Universitätsmedizin Berlin
Classification: Pathogenic for Left ventricular noncompaction 10. Last evaluated: 2022-09-27. Review status: criteria provided, single submitter. Criteria: ACMG Guidelines, 2015. Collection method: clinical testing. Allele origin: germline. Inheritance: Autosomal dominant inheritance. Affected: yes. Observed: 1 heterozygote.

GeneDx
Classification: Pathogenic. Last evaluated: 2017-04-14. Review status: criteria provided, single submitter. Criteria: GeneDx Variant Classification (06012015). Collection method: clinical testing. Allele origin: germline. Affected: yes.
Comment: Although the c.3467dupA variant in the MYBPC3 gene has not been reported to our knowledge, this variant causes a shift in reading frame starting at codon Proline 1157, changing it to an Alanine, and creating a premature stop codon at position 12 of the new reading frame, denoted p.Pro1157AlafsX12. This variant is expected to result in either an abnormal, truncated protein product or loss of protein from this allele through nonsense-mediated mRNA decay. Other frameshift variants in the MYBPC3 gene have been reported in association with HCM. In summary, c.3467dupA in the MYBPC3 gene is interpreted as a pathogenic variant.

Literature cited by the submitters: PubMed 32841044 (cited by Victorian Clinical Genetics Services, Murdoch Childrens Research Institute); PubMed 28771489 (cited by Victorian Clinical Genetics Services, Murdoch Childrens Research Institute); PubMed 19574547 (cited by Labcorp Genetics (formerly Invitae), Labcorp); PubMed 30297972 (cited by Ambry Genetics).

NM_000256.3(MYBPC3):c.3467dup (p.Pro1157fs)

Gene: MYBPC3 (myosin binding protein C3; minus strand). Cytogenetic location: 11p11.2.
Variant type: Duplication.
Coding change: c.3467dup on transcript NM_000256.3 (MANE Select); coding-DNA position 3467, one base duplicated (A; older notation c.3467dupA).
Protein change: p.Pro1157fs; shifts the reading frame from proline 1157.
Molecular consequence: frameshift variant.
Genome position (GRCh38, 1-based): chr11:47,332,837, T duplicated on the plus strand (A on the coding strand, the reverse complement: MYBPC3 is on the minus strand). VCF-style (leftmost placement, unchanged base first): chr11-47332836-C-CT. GRCh37 (hg19) VCF-style: chr11-47354387-C-CT.
Other names: c.3467dup, p.Pro1157fs (LRG_386t1); c.3467dupA (NM_000256.3); short protein forms P1157fs.
Identifiers: ClinVar variation 181156 (VCV000181156.17), dbSNP rs730880720, ClinGen allele CA296496.
Genomic context (GRCh38, chr11:47,332,836, plus strand): 5'-TGCCCCAGCCCCTGGTTGGAAGAATGAGGGTACAGCACCTGGTCTGGGGATAAAGACGGG[C>CT]TCCTTGGTGGTGGCCGCTCTGTCACTAAAGCCAACCATATTCTGGCTGAAGACGCGGAAG-3'